The following is an entry in ClinVar:

ClinVar aggregate classification (germline): Uncertain significance. Review status: criteria provided, multiple submitters, no conflicts (2 of 4 stars). 3 submissions from 3 submitters: Uncertain significance (3). Last evaluated 2023-12-30.

Conditions:
Fanconi anemia (FA). Also called: Fanconi's anemia. Identifiers: Orphanet 84, MedGen C0015625, MeSH D005199, MONDO:0019391.
Hereditary cancer-predisposing syndrome. Also called: Neoplastic Syndromes, Hereditary; Hereditary neoplastic syndrome; Hereditary Cancer Syndrome; Tumor predisposition. Identifiers: Orphanet 140162, MedGen C0027672, MeSH D009386, MONDO:0015356.

Allele frequency attached by ClinVar (database versions not stated): gnomAD exomes below 0.00001.
gnomAD v4.1: 4 of 1,614,210 alleles (0.00025%); highest among the groups gnomAD compares: Non-Finnish European, 0.00025%; no homozygotes.

Submissions (3):

Ambry Genetics
Classification: Uncertain significance for Hereditary cancer-predisposing syndrome. Last evaluated: 2023-12-30. Review status: criteria provided, single submitter. Criteria: Ambry Variant Classification Scheme 2023. Collection method: clinical testing. Allele origin: germline.
Comment: The p.L467V variant (also known as c.1399C>G), located in coding exon 13 of the FANCC gene, results from a C to G substitution at nucleotide position 1399. The leucine at codon 467 is replaced by valine, an amino acid with highly similar properties. This amino acid position is conserved. In addition, this alteration is predicted to be tolerated by in silico analysis. Since supporting evidence is limited at this time, the clinical significance of this alteration remains unclear.

Labcorp Genetics (formerly Invitae), Labcorp
Classification: Uncertain significance for Fanconi anemia. Last evaluated: 2021-08-20. Review status: criteria provided, single submitter. Criteria: Invitae Variant Classification Sherloc (09022015). Collection method: clinical testing. Allele origin: germline.
Comment: This sequence change replaces leucine with valine at codon 467 of the FANCC protein (p.Leu467Val). The leucine residue is highly conserved and there is a small physicochemical difference between leucine and valine. This variant is not present in population databases (ExAC no frequency). This variant has not been reported in the literature in individuals affected with FANCC-related conditions. ClinVar contains an entry for this variant (Variation ID: 449594). Algorithms developed to predict the effect of missense changes on protein structure and function output the following: SIFT: "Deleterious"; PolyPhen-2: "Benign"; Align-GVGD: "Class C0". The valine amino acid residue is found in multiple mammalian species, which suggests that this missense change does not adversely affect protein function. In summary, the available evidence is currently insufficient to determine the role of this variant in disease. Therefore, it has been classified as a Variant of Uncertain Significance.

GeneDx
Classification: Uncertain significance. Last evaluated: 2017-03-01. Review status: criteria provided, single submitter. Criteria: GeneDx Variant Classification (06012015). Collection method: clinical testing. Allele origin: germline. Affected: yes.
Comment: This variant is denoted FANCC c.1399C>G at the cDNA level, p.Leu467Val (L467V) at the protein level, and results in the change of a Leucine to a Valine (CTG>GTG). This variant has not, to our knowledge, been published in the literature as pathogenic or benign. FANCC Leu467Val was not observed in the Exome Aggregation Consortium (ExAC) data set, suggesting it is not a common benign variant. Since Leucine and Valine share similar properties, this is considered a conservative amino acid substitution. FANCC Leu467Val occurs at a position where amino acids with properties similar to Leucine are tolerated across species and is not located in a known functional domain. In silico analyses are inconsistent regarding the effect this variant may have on protein structure and function. Based on currently available evidence, it is unclear whether FANCC Leu467Val is a pathogenic or benign variant. We consider it to be a variant of uncertain significance.

NM_000136.3(FANCC):c.1399C>G (p.Leu467Val)

Genes: AOPEP (aminopeptidase O (putative); plus strand), FANCC (FA complementation group C; minus strand). Cytogenetic location: 9q22.32.
Variant type: single nucleotide variant.
Coding change: c.1399C>G on transcript NM_000136.3 (MANE Select); coding-DNA position 1399, C replaced by G.
Protein change: p.Leu467Val; replaces leucine 467 with valine.
Molecular consequence: missense variant.
Genome position (GRCh38, 1-based): chr9:95,107,200, G>C on the plus strand (C>G on the coding strand, the complement: FANCC is on the minus strand). VCF-style: chr9-95107200-G-C. GRCh37 (hg19) VCF-style: chr9-97869482-G-C.
Other names: c.1399C>G, p.Leu467Val (NM_001243743.2); short protein forms L467V.
Identifiers: ClinVar variation 449594 (VCV000449594.7), dbSNP rs1554828405, ClinGen allele CA374106111.
Genomic context (GRCh38, chr9:95,107,200, plus strand): 5'-TCAGCTGTTGTGCAGGAGCTCTGAGGTCTGTGTCTGTGCCCTGTCCTGCTACCGTCTGCA[G>C]GTCCTGGGCTGAGAGGCTGCTGCTTCTGGACATTGCCAGGAGGTGGCCCAGCACGGCCTT-3'
Protein context (NP_000127.2, residues 457-477): SRSSSLSAQD[Leu467Val]QTVAGQGTDT